The following is an entry in ClinVar:

ClinVar aggregate classification (germline): Uncertain significance. Review status: criteria provided, multiple submitters, no conflicts (2 of 4 stars). 2 submissions from 2 submitters: Uncertain significance (2). Last evaluated 2024-09-27.

Conditions:
Cardiovascular phenotype. Identifiers: MedGen CN230736.
Dilated cardiomyopathy 1JJ (CMD1JJ). Identifiers: Orphanet 154, MedGen C3808935, MONDO:0014095, OMIM 615235.

Allele frequency attached by ClinVar (database versions not stated): gnomAD exomes below 0.00001; TOPMed below 0.00001; gnomAD 0.00001; ExAC 0.00002; 1000 Genomes Project 30x 0.00031; 1000 Genomes Project 0.00040.
gnomAD v4.1: 4 of 1,613,750 alleles (0.00025%); highest among the groups gnomAD compares: East Asian, 0.0089%; no homozygotes.

Submissions (2):

Labcorp Genetics (formerly Invitae), Labcorp
Classification: Uncertain significance for Dilated cardiomyopathy 1JJ. Last evaluated: 2024-09-27. Review status: criteria provided, single submitter. Criteria: Invitae Variant Classification Sherloc (09022015). Collection method: clinical testing. Allele origin: germline.
Comment: This sequence change replaces serine, which is neutral and polar, with phenylalanine, which is neutral and non-polar, at codon 1620 of the LAMA4 protein (p.Ser1620Phe). This variant is present in population databases (rs587639587, gnomAD 0.02%). This variant has not been reported in the literature in individuals affected with LAMA4-related conditions. ClinVar contains an entry for this variant (Variation ID: 2447555). An algorithm developed to predict the effect of missense changes on protein structure and function (PolyPhen-2) suggests that this variant is likely to be disruptive. In summary, the available evidence is currently insufficient to determine the role of this variant in disease. Therefore, it has been classified as a Variant of Uncertain Significance.

Ambry Genetics
Classification: Uncertain significance for Cardiovascular phenotype. Last evaluated: 2022-12-18. Review status: criteria provided, single submitter. Criteria: Ambry Variant Classification Scheme 2023. Collection method: clinical testing. Allele origin: germline.
Comment: The p.S1620F variant (also known as c.4859C>T), located in coding exon 34 of the LAMA4 gene, results from a C to T substitution at nucleotide position 4859. The serine at codon 1620 is replaced by phenylalanine, an amino acid with highly dissimilar properties. This amino acid position is conserved. In addition, this alteration is predicted to be tolerated by in silico analysis. Since supporting evidence is limited at this time, the clinical significance of this alteration remains unclear.

NM_001105206.3(LAMA4):c.4880C>T (p.Ser1627Phe)

Gene: LAMA4 (laminin subunit alpha 4; minus strand). Cytogenetic location: 6q21.
Variant type: single nucleotide variant.
Coding change: c.4880C>T on transcript NM_001105206.3 (MANE Select); coding-DNA position 4880, C replaced by T.
Protein change: p.Ser1627Phe; replaces serine 1627 with phenylalanine.
Molecular consequence: missense variant.
Genome position (GRCh38, 1-based): chr6:112,117,840, G>A on the plus strand (C>T on the coding strand, the complement: LAMA4 is on the minus strand). VCF-style: chr6-112117840-G-A. GRCh37 (hg19) VCF-style: chr6-112439043-G-A.
Other names: c.4859C>T, p.Ser1620Phe (NM_001105207.3, NM_002290.5); short protein forms S1620F, S1627F.
Identifiers: ClinVar variation 2447555 (VCV002447555.4), dbSNP rs587639587, ClinGen allele CA3964876.